The following is an entry in ClinVar:

NM_003036.4(SKI):c.1108G>C (p.Val370Leu)

Gene: SKI (SKI proto-oncogene; plus strand). Cytogenetic location: 1p36.32.
Variant type: single nucleotide variant.
Coding change: c.1108G>C on transcript NM_003036.4 (MANE Select); coding-DNA position 1108, G replaced by C.
Protein change: p.Val370Leu; replaces valine 370 with leucine.
Molecular consequence: missense variant.
Genome position (GRCh38, 1-based): chr1:2,303,297, G>C. VCF-style: chr1-2303297-G-C. GRCh37 (hg19) VCF-style: chr1-2234736-G-C.
Other names: short protein forms V370L.
Identifiers: ClinVar variation 4165715 (VCV004165715.2).
Genomic context (GRCh38, chr1:2,303,297, plus strand): 5'-GGCTTGTTTTTCTCCTGGTCACTCACACAGACAACTCTTTCTCGACAGAGCCTGGGCTGT[G>C]TTCACCCTCGCCAGCGCCTCTCTGCTTTCCGACCCTGGTCCCCCGCAGTGTCAGCGAGTG-3'
Protein context (NP_003027.1, residues 360-380): AGSSNKSLGC[Val370Leu]HPRQRLSAFR

ClinVar aggregate classification (germline): Uncertain significance. Review status: criteria provided, multiple submitters, no conflicts (2 of 4 stars). 2 submissions from 2 submitters: Uncertain significance (2). Last evaluated 2025-11-08.

Conditions:
Shprintzen-Goldberg syndrome (SGS). Also called: SHPRINTZEN-GOLDBERG CRANIOSYNOSTOSIS SYNDROME; CRANIOSYNOSTOSIS WITH ARACHNODACTYLY AND ABDOMINAL HERNIAS; Marfanoid disorder with craniosynostosis type 1; Marfanoid craniosynostosis syndrome; Shprintzen-Goldberg marfanoid syndrome. Identifiers: Orphanet 2462, MedGen C1321551, MONDO:0008426, OMIM 182212.
Familial thoracic aortic aneurysm and aortic dissection (TAAD). Also called: Thoracic aortic aneurysms and dissections. Identifiers: Orphanet 91387, MedGen C4707243, MONDO:0019625.

Submissions (2):

Labcorp Genetics (formerly Invitae), Labcorp
Classification: Uncertain significance for Shprintzen-Goldberg syndrome. Last evaluated: 2025-11-08. Review status: criteria provided, single submitter. Criteria: Invitae Variant Classification Sherloc (09022015). Collection method: clinical testing. Allele origin: germline.
Comment: This sequence change replaces valine, which is neutral and non-polar, with leucine, which is neutral and non-polar, at codon 370 of the SKI protein (p.Val370Leu). This variant is not present in population databases (gnomAD no frequency). This variant has not been reported in the literature in individuals affected with SKI-related conditions. ClinVar contains an entry for this variant (Variation ID: 4165715). Invitae Evidence Modeling of protein sequence and biophysical properties (such as structural, functional, and spatial information, amino acid conservation, physicochemical variation, residue mobility, and thermodynamic stability) indicates that this missense variant is not expected to disrupt SKI protein function with a negative predictive value of 95%. In summary, the available evidence is currently insufficient to determine the role of this variant in disease. Therefore, it has been classified as a Variant of Uncertain Significance.

Ambry Genetics
Classification: Uncertain significance for Familial thoracic aortic aneurysm and aortic dissection. Last evaluated: 2025-07-13. Review status: criteria provided, single submitter. Criteria: Ambry Variant Classification Scheme 2023. Collection method: clinical testing. Allele origin: germline.
Comment: The p.V370L variant (also known as c.1108G>C), located in coding exon 3 of the SKI gene, results from a G to C substitution at nucleotide position 1108. The valine at codon 370 is replaced by leucine, an amino acid with highly similar properties. This amino acid position is conserved. In addition, this alteration is predicted to be tolerated by in silico analysis. Based on the available evidence, the clinical significance of this variant remains unclear.